The following is an entry in ClinVar:

NM_000070.3(CAPN3):c.2116-1G>C

Gene: CAPN3 (calpain 3; plus strand). Cytogenetic location: 15q15.1.
Variant type: single nucleotide variant.
Coding change: c.2116-1G>C on transcript NM_000070.3 (MANE Select); the canonical splice acceptor site of the intron before coding-DNA position 2116, G replaced by C.
Molecular consequence: splice acceptor variant.
Genome position (GRCh38, 1-based): chr15:42,410,427, G>C. VCF-style: chr15-42410427-G-C. GRCh37 (hg19) VCF-style: chr15-42702625-G-C.
Other names: c.1840-1G>C (NM_173087.2); c.580-1G>C (NM_173088.2); c.121-1G>C (NM_173090.2, NM_173089.2); c.2098-1G>C (NM_024344.2).
Identifiers: ClinVar variation 2109761 (VCV002109761.4), dbSNP rs2548292755, ClinGen allele CA392001601.
Genomic context (GRCh38, chr15:42,410,427, plus strand): 5'-CTCCCTCCAAATCCAGGGGGATTTTGCTGTGTGCTGTGTAGCCCTGACCTCCCTCCTCCA[G>C]ACAGATGGCTCTGGAAAGCTCAACCTGCAGGAGTTCCACCACCTCTGGAACAAGATTAAG-3'

ClinVar aggregate classification (germline): Likely pathogenic (1 of 4 stars; one submission).

Conditions:
Autosomal recessive limb-girdle muscular dystrophy type 2A (LGMDR1). Also called: Muscular dystrophy, limb-girdle, type 2A, Amish; LEYDEN-MOEBIUS MUSCULAR DYSTROPHY; MUSCULAR DYSTROPHY, PELVOFEMORAL; Limb-girdle muscular dystrophy, type 2A; Calpainopathy. Identifiers: Orphanet 267, MedGen C1869123, MONDO:0009675, OMIM 253600. Disease mechanism: loss of function.

Submission:

Labcorp Genetics (formerly Invitae), Labcorp
Classification: Likely pathogenic for Autosomal recessive limb-girdle muscular dystrophy type 2A. Last evaluated: 2023-10-03. Review status: criteria provided, single submitter. Criteria: Invitae Variant Classification Sherloc (09022015). Collection method: clinical testing. Allele origin: germline.
Comment: This sequence change affects an acceptor splice site in intron 19 of the CAPN3 gene. It is expected to disrupt RNA splicing. Variants that disrupt the donor or acceptor splice site typically lead to a loss of protein function (PMID: 16199547), and loss-of-function variants in CAPN3 are known to be pathogenic (PMID: 10330340, 15689361). This variant is not present in population databases (gnomAD no frequency). Disruption of this splice site has been observed in individual(s) with autosomal recessive limb-girdle muscular dystrophy (PMID: 28403181). ClinVar contains an entry for this variant (Variation ID: 2109761). Algorithms developed to predict the effect of sequence changes on RNA splicing suggest that this variant may disrupt the consensus splice site. In summary, the currently available evidence indicates that the variant is pathogenic, but additional data are needed to prove that conclusively. Therefore, this variant has been classified as Likely Pathogenic.

Literature cited by the submitters: PubMed 16199547; PubMed 10330340; PubMed 15689361; PubMed 28403181.